The following is an entry in ClinVar:

NM_000169.3(GLA):c.125_137del (p.Met42fs)

Genes: GLA (galactosidase alpha; minus strand), RPL36A-HNRNPH2 (RPL36A-HNRNPH2 readthrough; plus strand). Cytogenetic location: Xq22.1.
Variant type: Deletion.
Coding change: c.125_137del on transcript NM_000169.3 (MANE Select); coding-DNA positions 125 to 137, 13 bases deleted (TGGGCTGGCTGCA).
Protein change: p.Met42fs; shifts the reading frame from methionine 42.
Molecular consequence: frameshift variant. On other transcripts: non-coding transcript variant (3), intron variant (2).
Genome position (GRCh38, 1-based): chrX:101,407,767-101,407,779, TGCAGCCAGCCCA deleted on the plus strand (TGGGCTGGCTGCA on the coding strand, the reverse complement: GLA is on the minus strand); deleting any 13 consecutive bases within chrX:101,407,767-101,407,781 gives the same sequence; the c. name uses the placement nearest the transcript's 3' end. VCF-style (leftmost placement, unchanged base first): chrX-101407766-GTGCAGCCAGCCCA-G. GRCh37 (hg19) VCF-style: chrX-100662754-GTGCAGCCAGCCCA-G.
Other names: c.123_135delCATGGGCTGGCTG, p.Met42Thrfs (NM_000169.2); c.125_137del, p.Met42fs (NM_001406747.1, NM_001406748.1, NM_001406749.1); c.301-4167_301-4155del (NM_001199973.2); c.178-4167_178-4155del (NM_001199974.2); short protein forms M42fs.
Identifiers: ClinVar variation 10749 (VCV000010749.2), dbSNP rs1603047806, ClinGen allele CA913190393.

ClinVar aggregate classification (germline): Pathogenic. Review status: criteria provided, single submitter (1 of 4 stars). 2 submissions from 2 submitters: Pathogenic (1). 1 of the submissions does not count toward it. Last evaluated 2026-09-08.

Conditions:
Fabry disease. Also called: Ceramide trihexosidosis; Fabry's disease; ALPHA-GALACTOSIDASE A DEFICIENCY; ANDERSON-FABRY DISEASE; CERAMIDE TRIHEXOSIDASE DEFICIENCY; GLA DEFICIENCY. Identifiers: Orphanet 324, MedGen C0002986, MONDO:0010526, OMIM 301500, HP:0001071. Disease mechanism: Fabry disease is due to inactivating mutations in the X-linked GLA gene resulting in deficiency of the enzyme Alpha Galactosidase-A., loss of function.

Submissions (2):

Genomenon, Inc
Classification: Pathogenic for Fabry disease. Last evaluated: 2026-09-08. Review status: criteria provided, single submitter. Criteria: Genomenon Sequence Variant Interpretation Standards - Updated. Collection method: curation. Allele origin: germline. Affected: yes.
Comment: GLA p.Met42ThrfsTer75 (c.125_137del) is a frameshift variant that is predicted to introduce a premature termination codon and result in a truncated or absent protein product. This variant has been observed in at least one proband with clinical features consistent with Fabry disease (PMID:9213168;1650161). The variant was found to segregate with disease in at least one affected family (PMID:9213168;1650161). It is absent or not present at a significant frequency in gnomAD. In conclusion, we classify GLA p.Met42ThrfsTer75 (c.125_137del) as a pathogenic variant.

OMIM
Classification: Pathogenic for FABRY DISEASE. Last evaluated: 1991-05-01. Review status: no assertion criteria provided. Collection method: literature only. Allele origin: germline. Not counted in ClinVar's aggregate classification.

Literature cited by the submitters: PubMed 9213168 (cited by Genomenon, Inc); PubMed 1650161 (cited by Genomenon, Inc and OMIM).